The following is an entry in ClinVar:

NM_000018.4(ACADVL):c.1858G>A (p.Ala620Thr)

Gene: ACADVL (acyl-CoA dehydrogenase very long chain; plus strand). Cytogenetic location: 17p13.1.
Variant type: single nucleotide variant.
Coding change: c.1858G>A on transcript NM_000018.4 (MANE Select); coding-DNA position 1858, G replaced by A.
Protein change: p.Ala620Thr; replaces alanine 620 with threonine.
Molecular consequence: missense variant.
Genome position (GRCh38, 1-based): chr17:7,224,987, G>A. VCF-style: chr17-7224987-G-A. GRCh37 (hg19) VCF-style: chr17-7128306-G-A.
Other names: c.1792G>A, p.Ala598Thr (NM_001033859.3); c.1927G>A, p.Ala643Thr (NM_001270447.2); c.1630G>A, p.Ala544Thr (NM_001270448.2); c.1858G>A (NM_000018.2); short protein forms A544T, A598T, A620T, A643T.
Identifiers: ClinVar variation 932781 (VCV000932781.12), dbSNP rs965557488, ClinGen allele CA287441355.

ClinVar aggregate classification (germline): Uncertain significance. Review status: criteria provided, multiple submitters, no conflicts (2 of 4 stars). 4 submissions from 4 submitters: Uncertain significance (3). 1 of the submissions does not count toward it. Last evaluated 2026-02-01.

Conditions:
Inborn genetic diseases. Identifiers: MedGen C0950123, MeSH D030342.
Very long chain acyl-CoA dehydrogenase deficiency (ACADVLD). Also called: Very Long-Chain Acyl-Coenzyme A Dehydrogenase Deficiency; VLCAD Deficiency. Identifiers: Orphanet 26793, MedGen C3887523, MONDO:0008723, OMIM 201475.

Allele frequency attached by ClinVar (database versions not stated): gnomAD exomes 0.00001; TOPMed 0.00001; gnomAD 0.00003.
gnomAD v4.1: 24 of 1,613,954 alleles (0.0015%); highest among the groups gnomAD compares: Non-Finnish European, 0.0019%; no homozygotes.

Submissions (4):

Labcorp Genetics (formerly Invitae), Labcorp
Classification: Uncertain significance for Very long chain acyl-CoA dehydrogenase deficiency. Last evaluated: 2026-02-01. Review status: criteria provided, single submitter. Criteria: Invitae Variant Classification Sherloc (09022015). Collection method: clinical testing. Allele origin: germline.
Comment: This sequence change replaces alanine, which is neutral and non-polar, with threonine, which is neutral and polar, at codon 620 of the ACADVL protein (p.Ala620Thr). This variant is present in population databases (no rsID available, gnomAD 0.003%). This variant has not been reported in the literature in individuals affected with ACADVL-related conditions. ClinVar contains an entry for this variant (Variation ID: 932781). Invitae Evidence Modeling of protein sequence and biophysical properties (such as structural, functional, and spatial information, amino acid conservation, physicochemical variation, residue mobility, and thermodynamic stability) indicates that this missense variant is not expected to disrupt ACADVL protein function with a negative predictive value of 80%. In summary, the available evidence is currently insufficient to determine the role of this variant in disease. Therefore, it has been classified as a Variant of Uncertain Significance.

Ambry Genetics
Classification: Uncertain significance for Inborn genetic diseases. Last evaluated: 2023-06-12. Review status: criteria provided, single submitter. Criteria: Ambry Variant Classification Scheme 2023. Collection method: clinical testing. Allele origin: germline.

Wong Mito Lab, Molecular and Human Genetics, Baylor College of Medicine
Classification: Uncertain significance for Very long chain acyl-CoA dehydrogenase deficiency. Last evaluated: 2019-11-01. Review status: criteria provided, single submitter. Criteria: ACMG Guidelines, 2015. Collection method: clinical testing. Allele origin: germline.
Comment: The NM_000018.3:c.1858G>A (NP_000009.1:p.Ala620Thr) [GRCH38: NC_000017.11:g.7224987G>A] variant in ACADVL gene is interpretated to be Uncertain Significance based on ACMG guidelines (PMID: 25741868). This variant has been reported. This variant meets the following evidence codes reported in the ACMG guidelines: BP4

Natera, Inc.
Classification: Uncertain significance for Very long chain acyl-CoA dehydrogenase deficiency. Last evaluated: 2020-05-05. Review status: no assertion criteria provided. Collection method: clinical testing. Allele origin: germline. Not counted in ClinVar's aggregate classification.